The following is an entry in ClinVar:

ClinVar aggregate classification (germline): Pathogenic (1 of 4 stars; one submission).

Submission:

Labcorp Genetics (formerly Invitae), Labcorp
Classification: Pathogenic. Last evaluated: 2021-08-27. Review status: criteria provided, single submitter. Criteria: Invitae Variant Classification Sherloc (09022015). Collection method: clinical testing. Allele origin: germline.
Comment: For these reasons, this variant has been classified as Pathogenic. This variant has not been reported in the literature in individuals affected with CDH23-related conditions. This variant is not present in population databases (ExAC no frequency). This sequence change creates a premature translational stop signal (p.Leu2880Argfs*19) in the CDH23 gene. It is expected to result in an absent or disrupted protein product. Loss-of-function variants in CDH23 are known to be pathogenic (PMID: 11138009, 21940737).

Literature cited by the submitters: PubMed 11138009; PubMed 21940737.

NM_022124.6(CDH23):c.8639_8640del (p.Leu2880fs)

Gene: CDH23 (cadherin related 23; plus strand). Cytogenetic location: 10q22.1.
Variant type: Deletion.
Coding change: c.8639_8640del on transcript NM_022124.6 (MANE Select); coding-DNA positions 8639 to 8640, 2 bases deleted (TT; older notation c.8639_8640delTT).
Protein change: p.Leu2880fs; shifts the reading frame from leucine 2880.
Molecular consequence: frameshift variant.
Genome position (GRCh38, 1-based): chr10:71,807,924-71,807,925, TT deleted. VCF-style (leftmost placement, unchanged base first): chr10-71807923-CTT-C. GRCh37 (hg19) VCF-style: chr10-73567680-CTT-C.
Other names: c.1919_1920del, p.Leu640fs (NM_001171933.1, NM_001171934.1); short protein forms L640fs, L2880fs.
Identifiers: ClinVar variation 1366108 (VCV001366108.6), dbSNP rs2132990504, ClinGen allele CA2573145299.
Genomic context (GRCh38, chr10:71,807,923, plus strand): 5'-AAGGTGGGCTCAGAGTTGATCCAGGTGCTGGCCCTGGATGCAGACATTGGCAACAACAGC[CTT>C]GTCTTCTACAGCATTCTGGCCATCCACTACTTCCGGGCCCTTGCCAACGACTCTGAAGAT-3'